The following is an entry in ClinVar:

NM_002655.3(PLAG1):c.1357G>C (p.Val453Leu)

Gene: PLAG1 (PLAG1 zinc finger; minus strand). Cytogenetic location: 8q12.1.
Variant type: single nucleotide variant.
Coding change: c.1357G>C on transcript NM_002655.3 (MANE Select); coding-DNA position 1357, G replaced by C.
Protein change: p.Val453Leu; replaces valine 453 with leucine.
Molecular consequence: missense variant.
Genome position (GRCh38, 1-based): chr8:56,166,389, C>G on the plus strand (G>C on the coding strand, the complement: PLAG1 is on the minus strand). VCF-style: chr8-56166389-C-G. GRCh37 (hg19) VCF-style: chr8-57078948-C-G.
Other names: c.1357G>C, p.Val453Leu (NM_001114634.2); c.1111G>C, p.Val371Leu (NM_001114635.2); short protein forms V371L, V453L.
Identifiers: ClinVar variation 3041287 (VCV003041287.2), dbSNP rs75108631, ClinGen allele CA4754800.

ClinVar aggregate classification (germline): Likely benign (0 of 4 stars; one submission).

Conditions:
PLAG1-related disorder. Also called: PLAG1-related condition.

Allele frequency attached by ClinVar (database versions not stated): gnomAD exomes 0.00005; gnomAD 0.00008; TOPMed 0.00009; ExAC 0.00024; 1000 Genomes Project 30x 0.00047; 1000 Genomes Project 0.00060.
gnomAD v4.1: 135 of 1,613,826 alleles (0.0084%); highest among the groups gnomAD compares: East Asian, 0.1%; no homozygotes.

Submission:

PreventionGenetics, part of Exact Sciences
Classification: Likely benign for PLAG1-related condition. Last evaluated: 2022-12-21. Review status: no assertion criteria provided. Collection method: clinical testing. Allele origin: germline.
Comment: This variant is classified as likely benign based on ACMG/AMP sequence variant interpretation guidelines (Richards et al. 2015 PMID: 25741868, with internal and published modifications).